The following is an entry in ClinVar:

ClinVar aggregate classification (germline): Conflicting classifications of pathogenicity. Review status: criteria provided, conflicting classifications (1 of 4 stars). 2 submissions from 2 submitters: Uncertain significance (1); Likely benign (1). Last evaluated 2025-12-31.

Conditions:
Arrhythmogenic right ventricular dysplasia 12. Also called: ARRHYTHMOGENIC RIGHT VENTRICULAR DYSPLASIA, FAMILIAL, 12. Identifiers: MedGen C1969081, MONDO:0012684, OMIM 611528.
Naxos disease (NXD). Also called: KERATOSIS PALMOPLANTARIS WITH ARRHYTHMOGENIC CARDIOMYOPATHY; MAL DE NAXOS; PALMOPLANTAR KERATODERMA WITH ARRHYTHMOGENIC RIGHT VENTRICULAR CARDIOMYOPATHY AND WOOLLY HAIR; WOOLLY HAIR, PALMOPLANTAR KERATODERMA, AND CARDIAC ABNORMALITIES; CARDIOMYOPATHY, ARRHYTHMOGENIC RIGHT VENTRICULAR, WITH SKIN, HAIR, AND NAIL ABNORMALITIES. Identifiers: Orphanet 34217, MedGen C1832600, MONDO:0011017, OMIM 601214.
Cardiovascular phenotype. Identifiers: MedGen CN230736.

Allele frequency attached by ClinVar (database versions not stated): ExAC 0.00002; gnomAD exomes 0.00002; gnomAD 0.00003 and 0.00004; TOPMed 0.00003.
gnomAD v4.1: 16 of 1,613,920 alleles (0.00099%); highest among the groups gnomAD compares: African/African-American, 0.008%; no homozygotes.

Submissions (2):

Labcorp Genetics (formerly Invitae), Labcorp
Classification: Uncertain significance for Arrhythmogenic right ventricular dysplasia 12; Naxos disease. Last evaluated: 2025-12-31. Review status: criteria provided, single submitter. Criteria: Invitae Variant Classification Sherloc (09022015). Collection method: clinical testing. Allele origin: germline.
Comment: This sequence change replaces arginine, which is basic and polar, with glutamine, which is neutral and polar, at codon 572 of the JUP protein (p.Arg572Gln). This variant is present in population databases (rs397517298, gnomAD 0.01%). This missense change has been observed in individual(s) with arrhythmogenic right ventricular cardiomyopathy (ARVC) (PMID: 27532257). ClinVar contains an entry for this variant (Variation ID: 536633). An algorithm developed to predict the effect of missense changes on protein structure and function (PolyPhen-2) suggests that this variant is likely to be disruptive. In summary, the available evidence is currently insufficient to determine the role of this variant in disease. Therefore, it has been classified as a Variant of Uncertain Significance.

Ambry Genetics
Classification: Likely benign for Cardiovascular phenotype. Last evaluated: 2021-11-04. Review status: criteria provided, single submitter. Criteria: Ambry Variant Classification Scheme 2023. Collection method: clinical testing. Allele origin: germline.

Literature cited by the submitters: PubMed 27532257 (cited by Labcorp Genetics (formerly Invitae), Labcorp).

NM_002230.4(JUP):c.1715G>A (p.Arg572Gln)

Gene: JUP (junction plakoglobin; minus strand). Cytogenetic location: 17q21.2.
Variant type: single nucleotide variant.
Coding change: c.1715G>A on transcript NM_002230.4 (MANE Select); coding-DNA position 1715, G replaced by A.
Protein change: p.Arg572Gln; replaces arginine 572 with glutamine.
Molecular consequence: missense variant.
Genome position (GRCh38, 1-based): chr17:41,758,457, C>T on the plus strand (G>A on the coding strand, the complement: JUP is on the minus strand). VCF-style: chr17-41758457-C-T. GRCh37 (hg19) VCF-style: chr17-39914709-C-T.
Other names: c.1715G>A, p.Arg572Gln (NM_001352773.2, NM_001352774.2, NM_001352775.2 and 3 more transcripts); short protein forms R572Q.
Identifiers: ClinVar variation 536633 (VCV000536633.8), dbSNP rs397517298, ClinGen allele CA8565145.